The following is an entry in ClinVar:

NM_004656.4(BAP1):c.438-1G>C

Gene: BAP1 (BRCA1 associated deubiquitinase 1; minus strand). Cytogenetic location: 3p21.1.
Variant type: single nucleotide variant.
Coding change: c.438-1G>C on transcript NM_004656.4 (MANE Select); the canonical splice acceptor site of the intron before coding-DNA position 438, G replaced by C.
Molecular consequence: splice acceptor variant.
Genome position (GRCh38, 1-based): chr3:52,407,317, C>G on the plus strand (G>C on the coding strand, the complement: BAP1 is on the minus strand). VCF-style: chr3-52407317-C-G. GRCh37 (hg19) VCF-style: chr3-52441333-C-G.
Other names: c.438-1G>C (NM_001410772.1).
Identifiers: ClinVar variation 2130164 (VCV002130164.4), dbSNP rs2153227879, ClinGen allele CA353110527.

ClinVar aggregate classification (germline): Likely pathogenic (1 of 4 stars; one submission).

Conditions:
BAP1-related tumor predisposition syndrome (TPDS1). Also called: BAP1 tumor predisposition syndrome; COMMON Syndrome; TUMOR PREDISPOSITION SYNDROME 1; Tumor susceptibility linked to germline BAP1 mutations. Identifiers: Orphanet 289539, MedGen C3280492, MONDO:0013692, OMIM 614327.

Submission:

Labcorp Genetics (formerly Invitae), Labcorp
Classification: Likely pathogenic for BAP1-related tumor predisposition syndrome. Last evaluated: 2022-04-24. Review status: criteria provided, single submitter. Criteria: Invitae Variant Classification Sherloc (09022015). Collection method: clinical testing. Allele origin: germline.
Comment: This sequence change affects an acceptor splice site in intron 6 of the BAP1 gene. It is expected to disrupt RNA splicing. Variants that disrupt the donor or acceptor splice site typically lead to a loss of protein function (PMID: 16199547), and loss-of-function variants in BAP1 are known to be pathogenic (PMID: 21874000, 23684012). This variant is not present in population databases (gnomAD no frequency). This variant has not been reported in the literature in individuals affected with BAP1-related conditions. Algorithms developed to predict the effect of sequence changes on RNA splicing suggest that this variant may disrupt the consensus splice site. In summary, the currently available evidence indicates that the variant is pathogenic, but additional data are needed to prove that conclusively. Therefore, this variant has been classified as Likely Pathogenic.

Literature cited by the submitters: PubMed 16199547; PubMed 21874000; PubMed 23684012.